The following is an entry in ClinVar:

NM_003835.4(RGS9):c.1709C>G (p.Pro570Arg)

Gene: RGS9 (regulator of G protein signaling 9; plus strand). Cytogenetic location: 17q24.1.
Variant type: single nucleotide variant.
Coding change: c.1709C>G on transcript NM_003835.4 (MANE Select); coding-DNA position 1709, C replaced by G.
Protein change: p.Pro570Arg; replaces proline 570 with arginine.
Molecular consequence: missense variant.
Genome position (GRCh38, 1-based): chr17:65,225,303, C>G. VCF-style: chr17-65225303-C-G. GRCh37 (hg19) VCF-style: chr17-63221421-C-G.
Other names: c.1700C>G, p.Pro567Arg (NM_001081955.3); c.1709C>G (NM_003835.3); short protein forms P570R, P567R.
Identifiers: ClinVar variation 1424996 (VCV001424996.7), dbSNP rs750001133, ClinGen allele CA8718132.

ClinVar aggregate classification (germline): Uncertain significance. Review status: criteria provided, multiple submitters, no conflicts (2 of 4 stars). 2 submissions from 2 submitters: Uncertain significance (2). Last evaluated 2025-09-01.

Conditions:
Inborn genetic diseases. Identifiers: MedGen C0950123, MeSH D030342.

gnomAD v4.1: 2 of 1,609,832 alleles (0.00012%); highest among the groups gnomAD compares: Non-Finnish European, 0.00017%; no homozygotes.

Submissions (2):

Ambry Genetics
Classification: Uncertain significance for Inborn genetic diseases. Last evaluated: 2025-09-01. Review status: criteria provided, single submitter. Criteria: Ambry Variant Classification Scheme 2023. Collection method: clinical testing. Allele origin: germline.

Labcorp Genetics (formerly Invitae), Labcorp
Classification: Uncertain significance. Last evaluated: 2024-02-17. Review status: criteria provided, single submitter. Criteria: Invitae Variant Classification Sherloc (09022015). Collection method: clinical testing. Allele origin: germline.
Comment: This sequence change replaces proline, which is neutral and non-polar, with arginine, which is basic and polar, at codon 570 of the RGS9 protein (p.Pro570Arg). This variant is present in population databases (rs750001133, gnomAD 0.0009%). This variant has not been reported in the literature in individuals affected with RGS9-related conditions. ClinVar contains an entry for this variant (Variation ID: 1424996). An algorithm developed to predict the effect of missense changes on protein structure and function (PolyPhen-2) suggests that this variant is likely to be tolerated. In summary, the available evidence is currently insufficient to determine the role of this variant in disease. Therefore, it has been classified as a Variant of Uncertain Significance.